The following is an entry in ClinVar:

NM_001184.4(ATR):c.7250T>C (p.Leu2417Ser)

Gene: ATR (ATR checkpoint kinase; minus strand). Cytogenetic location: 3q23.
Variant type: single nucleotide variant.
Coding change: c.7250T>C on transcript NM_001184.4 (MANE Select); coding-DNA position 7250, T replaced by C.
Protein change: p.Leu2417Ser; replaces leucine 2417 with serine.
Molecular consequence: missense variant.
Genome position (GRCh38, 1-based): chr3:142,459,326, A>G on the plus strand (T>C on the coding strand, the complement: ATR is on the minus strand). VCF-style: chr3-142459326-A-G. GRCh37 (hg19) VCF-style: chr3-142178168-A-G.
Other names: c.7058T>C, p.Leu2353Ser (NM_001354579.2); short protein forms L2417S, L2353S.
Identifiers: ClinVar variation 967499 (VCV000967499.13), dbSNP rs2070974907, ClinGen allele CA354797793.

ClinVar aggregate classification (germline): Uncertain significance. Review status: criteria provided, multiple submitters, no conflicts (2 of 4 stars). 4 submissions from 3 submitters: Uncertain significance (4). Last evaluated 2024-09-13.

Conditions:
Inborn genetic diseases. Identifiers: MedGen C0950123, MeSH D030342.
Familial cutaneous telangiectasia and oropharyngeal predisposition cancer syndrome. Identifiers: Orphanet 313846, MedGen C3281203, MONDO:0013806, OMIM 614564.
Seckel syndrome 1 (SCKL1). Also called: MICROCEPHALIC PRIMORDIAL DWARFISM I. Identifiers: Orphanet 808, MedGen C4551474, MONDO:0008869, OMIM 210600.

Allele frequency attached by ClinVar (database versions not stated): gnomAD exomes below 0.00001.
gnomAD v4.1: 3 of 1,614,028 alleles (0.00019%); highest among the groups gnomAD compares: Non-Finnish European, 0.00017%; no homozygotes.

Submissions (4):

Ambry Genetics
Classification: Uncertain significance for Inborn genetic diseases. Last evaluated: 2024-09-13. Review status: criteria provided, single submitter. Criteria: Ambry Variant Classification Scheme 2023. Collection method: clinical testing. Allele origin: germline.
Comment: The p.L2417S variant (also known as c.7250T>C), located in coding exon 43 of the ATR gene, results from a T to C substitution at nucleotide position 7250. The leucine at codon 2417 is replaced by serine, an amino acid with dissimilar properties. This amino acid position is conserved. In addition, this alteration is predicted to be tolerated by in silico analysis. Since supporting evidence is limited at this time, the clinical significance of this alteration remains unclear.

Genome-Nilou Lab
Classification: Uncertain significance for Seckel syndrome 1. Last evaluated: 2023-02-08. Review status: criteria provided, single submitter. Criteria: ACMG Guidelines, 2015. Collection method: clinical testing. Allele origin: germline.

Genome-Nilou Lab
Classification: Uncertain significance for Familial cutaneous telangiectasia and oropharyngeal predisposition cancer syndrome. Last evaluated: 2023-02-08. Review status: criteria provided, single submitter. Criteria: ACMG Guidelines, 2015. Collection method: clinical testing. Allele origin: germline.

Labcorp Genetics (formerly Invitae), Labcorp
Classification: Uncertain significance. Last evaluated: 2019-10-15. Review status: criteria provided, single submitter. Criteria: Invitae Variant Classification Sherloc (09022015). Collection method: clinical testing. Allele origin: germline.
Comment: Algorithms developed to predict the effect of missense changes on protein structure and function are either unavailable or do not agree on the potential impact of this missense change (SIFT: "Deleterious"; PolyPhen-2: "Benign"; Align-GVGD: "Class C15"). This sequence change replaces leucine with serine at codon 2417 of the ATR protein (p.Leu2417Ser). The leucine residue is moderately conserved and there is a large physicochemical difference between leucine and serine. This variant is not present in population databases (ExAC no frequency). This variant has not been reported in the literature in individuals with ATR-related conditions. In summary, the available evidence is currently insufficient to determine the role of this variant in disease. Therefore, it has been classified as a Variant of Uncertain Significance.